The following is an entry in ClinVar:

ClinVar aggregate classification (germline): Conflicting classifications of pathogenicity. Review status: criteria provided, conflicting classifications (1 of 4 stars). 2 submissions from 2 submitters: Uncertain significance (1); Likely benign (1). Last evaluated 2025-02-27.

Conditions:
Hereditary cancer-predisposing syndrome. Also called: Tumor predisposition; Hereditary neoplastic syndrome; Neoplastic Syndromes, Hereditary; Hereditary Cancer Syndrome. Identifiers: Orphanet 140162, MedGen C0027672, MeSH D009386, MONDO:0015356.
Oligodontia-cancer predisposition syndrome. Also called: TOOTH AGENESIS-COLORECTAL CANCER SYNDROME. Identifiers: Orphanet 300576, MedGen C1837750, MONDO:0012075, OMIM 608615. Disease mechanism: loss of function.

Submissions (2):

Ambry Genetics
Classification: Likely benign for Hereditary cancer-predisposing syndrome. Last evaluated: 2025-02-27. Review status: criteria provided, single submitter. Criteria: Ambry Variant Classification Scheme 2023. Collection method: clinical testing. Allele origin: germline.

Labcorp Genetics (formerly Invitae), Labcorp
Classification: Uncertain significance for Oligodontia-cancer predisposition syndrome. Last evaluated: 2024-10-06. Review status: criteria provided, single submitter. Criteria: Invitae Variant Classification Sherloc (09022015). Collection method: clinical testing. Allele origin: germline.
Comment: This sequence change replaces leucine, which is neutral and non-polar, with isoleucine, which is neutral and non-polar, at codon 423 of the AXIN2 protein (p.Leu423Ile). This variant is not present in population databases (gnomAD no frequency). This variant has not been reported in the literature in individuals affected with AXIN2-related conditions. ClinVar contains an entry for this variant (Variation ID: 950302). Invitae Evidence Modeling of protein sequence and biophysical properties (such as structural, functional, and spatial information, amino acid conservation, physicochemical variation, residue mobility, and thermodynamic stability) indicates that this missense variant is expected to disrupt AXIN2 protein function with a positive predictive value of 80%. In summary, the available evidence is currently insufficient to determine the role of this variant in disease. Therefore, it has been classified as a Variant of Uncertain Significance.

NM_004655.4(AXIN2):c.1267C>A (p.Leu423Ile)

Gene: AXIN2 (axin 2; minus strand). Cytogenetic location: 17q24.1.
Variant type: single nucleotide variant.
Coding change: c.1267C>A on transcript NM_004655.4 (MANE Select); coding-DNA position 1267, C replaced by A.
Protein change: p.Leu423Ile; replaces leucine 423 with isoleucine.
Molecular consequence: missense variant.
Genome position (GRCh38, 1-based): chr17:65,537,769, G>T on the plus strand (C>A on the coding strand, the complement: AXIN2 is on the minus strand). VCF-style: chr17-65537769-G-T. GRCh37 (hg19) VCF-style: chr17-63533887-G-T.
Other names: c.1267C>A, p.Leu423Ile (NM_001363813.1); short protein forms L423I.
Identifiers: ClinVar variation 950302 (VCV000950302.10), dbSNP rs376630432, ClinGen allele CA400677847.